The following is an entry in ClinVar:

NM_004369.4(COL6A3):c.5589C>T (p.Asp1863=)

Gene: COL6A3 (collagen type VI alpha 3 chain; minus strand). Cytogenetic location: 2q37.3.
Variant type: single nucleotide variant.
Coding change: c.5589C>T on transcript NM_004369.4 (MANE Select); coding-DNA position 5589, C replaced by T.
Protein change: p.Asp1863=; no amino-acid change (aspartic acid 1863 retained).
Molecular consequence: synonymous variant.
Genome position (GRCh38, 1-based): chr2:237,365,947, G>A on the plus strand (C>T on the coding strand, the complement: COL6A3 is on the minus strand). VCF-style: chr2-237365947-G-A. GRCh37 (hg19) VCF-style: chr2-238274590-G-A.
Other names: c.5589C>T (NM_004369.3); c.3768C>T, p.Asp1256= (NM_057166.5); c.4971C>T, p.Asp1657= (NM_057167.4).
Identifiers: ClinVar variation 1176115 (VCV001176115.45), dbSNP rs144592806, ClinGen allele CA2188629.
Genomic context (GRCh38, chr2:237,365,947, plus strand): 5'-GGGCGAGCGGCCACCGCTGCAGCTGACCCTGTGCATCTGGCTGATTCTGTTCAAGATGGC[G>A]TCCACCTTGGACTCGAAGCCCTTCTGGGCCACAAAAACATTCTGGTCTCTAGAACCATCA-3'
Protein context (NP_004360.2, residues 1853-1873): VAQKGFESKV[Asp1863=]AILNRISQMH

ClinVar aggregate classification (germline): Conflicting classifications of pathogenicity. Review status: criteria provided, conflicting classifications (1 of 4 stars). 4 submissions from 4 submitters: Uncertain significance (1); Likely benign (2). 1 of the submissions does not count toward it. Last evaluated 2026-01-24.

Conditions:
Bethlem myopathy 1A. Also called: MYOPATHY, BENIGN CONGENITAL, WITH CONTRACTURES; Bethlem myopathy 1; Bethlem Muscular Dystrophy. Identifiers: Orphanet 610, MedGen CN029274, MONDO:0024530, OMIM 158810.
COL6A3-related disorder. Also called: COL6A3-related disorders; COL6A3-related condition.

Allele frequency attached by ClinVar (database versions not stated): ExAC 0.00004; gnomAD exomes 0.00005; gnomAD 0.00009 and 0.00012; TOPMed 0.00012; ESP Exome Variant Server 0.00023.

Submissions (4):

Labcorp Genetics (formerly Invitae), Labcorp
Classification: Likely benign for Bethlem myopathy 1A. Last evaluated: 2026-01-24. Review status: criteria provided, single submitter. Criteria: Invitae Variant Classification Sherloc (09022015). Collection method: clinical testing. Allele origin: germline.

Revvity Omics, Revvity
Classification: Uncertain significance. Last evaluated: 2022-11-06. Review status: criteria provided, single submitter. Criteria: ACMG Guidelines, 2015. Collection method: clinical testing. Allele origin: germline.

CeGaT Center for Human Genetics Tuebingen
Classification: Likely benign. Last evaluated: 2021-06-01. Review status: criteria provided, single submitter. Criteria: CeGaT Center For Human Genetics Tuebingen Variant Classification Criteria Version 2. Collection method: clinical testing. Allele origin: germline. Affected: yes. Observed: 1 variant allele.

PreventionGenetics, part of Exact Sciences
Classification: Likely benign for COL6A3-related condition. Last evaluated: 2020-03-17. Review status: no assertion criteria provided. Collection method: clinical testing. Allele origin: germline. Not counted in ClinVar's aggregate classification.
Comment: This variant is classified as likely benign based on ACMG/AMP sequence variant interpretation guidelines (Richards et al. 2015 PMID: 25741868, with internal and published modifications).